The following is an entry in ClinVar:

ClinVar aggregate classification (germline): Uncertain significance (1 of 4 stars; one submission).

gnomAD v4.1: 16 of 1,611,938 alleles (0.00099%); highest among the groups gnomAD compares: Non-Finnish European, 0.0013%; no homozygotes.

Submission:

Labcorp Genetics (formerly Invitae), Labcorp
Classification: Uncertain significance. Last evaluated: 2021-12-02. Review status: criteria provided, single submitter. Criteria: Invitae Variant Classification Sherloc (09022015). Collection method: clinical testing. Allele origin: germline.
Comment: This sequence change falls in intron 7 of the MRPS22 gene. It does not directly change the encoded amino acid sequence of the MRPS22 protein. It affects a nucleotide within the consensus splice site. This variant is not present in population databases (gnomAD no frequency). This variant has not been reported in the literature in individuals affected with MRPS22-related conditions. Variants that disrupt the consensus splice site are a relatively common cause of aberrant splicing (PMID: 17576681, 9536098). Algorithms developed to predict the effect of sequence changes on RNA splicing suggest that this variant may disrupt the consensus splice site. In summary, the available evidence is currently insufficient to determine the role of this variant in disease. Therefore, it has been classified as a Variant of Uncertain Significance.

Literature cited by the submitters: PubMed 17576681; PubMed 9536098.

NM_020191.4(MRPS22):c.987+3A>G

Gene: MRPS22 (mitochondrial ribosomal protein S22; plus strand). Cytogenetic location: 3q23.
Variant type: single nucleotide variant.
Coding change: c.987+3A>G on transcript NM_020191.4 (MANE Select); 3 bases into the intron after coding-DNA position 987, A replaced by G.
Molecular consequence: intron variant.
Genome position (GRCh38, 1-based): chr3:139,355,793, A>G. VCF-style: chr3-139355793-A-G. GRCh37 (hg19) VCF-style: chr3-139074635-A-G.
Other names: c.984+3A>G (NM_001363893.1); c.864+3A>G (NM_001363857.1).
Identifiers: ClinVar variation 1466265 (VCV001466265.3), dbSNP rs2107792041, ClinGen allele CA2573136560.
Genomic context (GRCh38, chr3:139,355,793, plus strand): 5'-TGGCCAGTCGGCTCAAGGGGCCAAGGATCAGGCTGCTGAGGGAATAAATTTAATCAAGGT[A>G]AAGTTTTTTTTTCATATTGGTTGTTTTGTGGTGGTAATTGAGCTGGGAAAAATTCAGAAT-3'